The following is an entry in ClinVar:

NM_020433.5(JPH2):c.736G>A (p.Val246Ile)

Gene: JPH2 (junctophilin 2; minus strand). Cytogenetic location: 20q13.12.
Variant type: single nucleotide variant.
Coding change: c.736G>A on transcript NM_020433.5 (MANE Select); coding-DNA position 736, G replaced by A.
Protein change: p.Val246Ile; replaces valine 246 with isoleucine.
Molecular consequence: missense variant.
Genome position (GRCh38, 1-based): chr20:44,160,051, C>T on the plus strand (G>A on the coding strand, the complement: JPH2 is on the minus strand). VCF-style: chr20-44160051-C-T. GRCh37 (hg19) VCF-style: chr20-42788691-C-T.
Other names: short protein forms V246I.
Identifiers: ClinVar variation 1758557 (VCV001758557.2), dbSNP rs1326771127, ClinGen allele CA409093786.

ClinVar aggregate classification (germline): Uncertain significance (1 of 4 stars; one submission).

Conditions:
Cardiovascular phenotype. Identifiers: MedGen CN230736.

gnomAD v4.1: 1 of 1,547,390 alleles (0.000065%); highest among the groups gnomAD compares: Non-Finnish European, 0.000087%; no homozygotes.

Submission:

Ambry Genetics
Classification: Uncertain significance for Cardiovascular phenotype. Last evaluated: 2022-05-30. Review status: criteria provided, single submitter. Criteria: Ambry Variant Classification Scheme 2023. Collection method: clinical testing. Allele origin: germline.
Comment: The p.V246I variant (also known as c.736G>A), located in coding exon 2 of the JPH2 gene, results from a G to A substitution at nucleotide position 736. The valine at codon 246 is replaced by isoleucine, an amino acid with highly similar properties. This amino acid position is conserved. In addition, this alteration is predicted to be tolerated by in silico analysis. Since supporting evidence is limited at this time, the clinical significance of this alteration remains unclear.